The following is an entry in ClinVar:

ClinVar aggregate classification (germline): Uncertain significance (1 of 4 stars; one submission).

Conditions:
Rhabdoid tumor predisposition syndrome 2 (RTPS2). Identifiers: Orphanet 231108, Orphanet 69077, MedGen C2750074, MONDO:0013224, OMIM 613325.

Submission:

Labcorp Genetics (formerly Invitae), Labcorp
Classification: Uncertain significance for Rhabdoid tumor predisposition syndrome 2. Last evaluated: 2024-12-08. Review status: criteria provided, single submitter. Criteria: Invitae Variant Classification Sherloc (09022015). Collection method: clinical testing. Allele origin: germline.
Comment: This sequence change replaces asparagine, which is neutral and polar, with tyrosine, which is neutral and polar, at codon 435 of the SMARCA4 protein (p.Asn435Tyr). This variant is not present in population databases (gnomAD no frequency). This variant has not been reported in the literature in individuals affected with SMARCA4-related conditions. Invitae Evidence Modeling of protein sequence and biophysical properties (such as structural, functional, and spatial information, amino acid conservation, physicochemical variation, residue mobility, and thermodynamic stability) has been performed for this missense variant. However, the output from this modeling did not meet the statistical confidence thresholds required to predict the impact of this variant on SMARCA4 protein function. In summary, the available evidence is currently insufficient to determine the role of this variant in disease. Therefore, it has been classified as a Variant of Uncertain Significance.

NM_003072.5(SMARCA4):c.1303A>T (p.Asn435Tyr)

Gene: SMARCA4 (SWI/SNF related BAF chromatin remodeling complex subunit ATPase 4; plus strand). Cytogenetic location: 19p13.2.
Variant type: single nucleotide variant.
Coding change: c.1303A>T on transcript NM_003072.5 (MANE Select); coding-DNA position 1303, A replaced by T.
Protein change: p.Asn435Tyr; replaces asparagine 435 with tyrosine.
Molecular consequence: missense variant. On other transcripts: non-coding transcript variant (1).
Genome position (GRCh38, 1-based): chr19:10,991,207, A>T. VCF-style: chr19-10991207-A-T. GRCh37 (hg19) VCF-style: chr19-11101883-A-T.
Other names: c.1303A>T, p.Asn435Tyr (NM_001128844.3, NM_001128845.2, NM_001128846.2 and 6 more transcripts); short protein forms N435Y.
Identifiers: ClinVar variation 3636849 (VCV003636849.2).